The following is an entry in ClinVar:

ClinVar aggregate classification (germline): Uncertain significance (1 of 4 stars; one submission).

Conditions:
Ehlers-Danlos syndrome, kyphoscoliotic type, 2. Also called: Ehlers-Danlos syndrome, kyphoscoliotic and deafness type; FKBP14-Kyphoscoliotic Ehlers-Danlos Syndrome; Ehlers-Danlos syndrome with progressive kyphoscoliosis, myopathy, and hearing loss. Identifiers: Orphanet 300179, MedGen C3281160, MONDO:0013800, OMIM 614557.

Allele frequency attached by ClinVar (database versions not stated): gnomAD 0.00001; TOPMed 0.00002.
gnomAD v4.1: 12 of 1,610,370 alleles (0.00075%); highest among the groups gnomAD compares: East Asian, 0.0045%; no homozygotes.

Submission:

Labcorp Genetics (formerly Invitae), Labcorp
Classification: Uncertain significance for Ehlers-Danlos syndrome, kyphoscoliotic type, 2. Last evaluated: 2022-03-18. Review status: criteria provided, single submitter. Criteria: Invitae Variant Classification Sherloc (09022015). Collection method: clinical testing. Allele origin: germline.
Comment: This sequence change replaces isoleucine, which is neutral and non-polar, with valine, which is neutral and non-polar, at codon 199 of the FKBP14 protein (p.Ile199Val). This variant is present in population databases (rs780572118, gnomAD 0.02%). This variant has not been reported in the literature in individuals affected with FKBP14-related conditions. ClinVar contains an entry for this variant (Variation ID: 645474). Algorithms developed to predict the effect of missense changes on protein structure and function are either unavailable or do not agree on the potential impact of this missense change (SIFT: "Tolerated"; PolyPhen-2: "Possibly Damaging"; Align-GVGD: "Class C0"). Algorithms developed to predict the effect of sequence changes on RNA splicing suggest that this variant may create or strengthen a splice site. In summary, the available evidence is currently insufficient to determine the role of this variant in disease. Therefore, it has been classified as a Variant of Uncertain Significance.

NM_017946.4(FKBP14):c.595A>G (p.Ile199Val)

Genes: FKBP14 (FKBP prolyl isomerase 14; minus strand), FKBP14-AS1 (FKBP14 antisense RNA 1; plus strand). Cytogenetic location: 7p14.3.
Variant type: single nucleotide variant.
Coding change: c.595A>G on transcript NM_017946.4 (MANE Select); coding-DNA position 595, A replaced by G.
Protein change: p.Ile199Val; replaces isoleucine 199 with valine.
Molecular consequence: missense variant. On other transcripts: non-coding transcript variant (2).
Genome position (GRCh38, 1-based): chr7:30,014,776, T>C on the plus strand (A>G on the coding strand, the complement: FKBP14 is on the minus strand). VCF-style: chr7-30014776-T-C. GRCh37 (hg19) VCF-style: chr7-30054392-T-C.
Other names: short protein forms I199V.
Identifiers: ClinVar variation 645474 (VCV000645474.6), dbSNP rs780572118, ClinGen allele CA4203366.
Genomic context (GRCh38, chr7:30,014,776, plus strand): 5'-TAAAAGGGTAGATGTATCTCTATAACTCATCGTGTTTATATGTAAATTCTCTGGCAGATA[T>C]AAACCCATCTTTGTCTTCATCTTCTTTATCAAAAATATCCTCCACCAAAGCATCATGATG-3'
Protein context (NP_060416.1, residues 189-209): DKEDEDKDGF[Ile199Val]SAREFTYKHD